The following is an entry in ClinVar:

NM_003322.6(TULP1):c.1611G>T (p.Gly537=)

Gene: TULP1 (TUB like protein 1; minus strand). Cytogenetic location: 6p21.31.
Variant type: single nucleotide variant.
Coding change: c.1611G>T on transcript NM_003322.6 (MANE Select); coding-DNA position 1611, G replaced by T.
Protein change: p.Gly537=; no amino-acid change (glycine 537 retained).
Molecular consequence: synonymous variant.
Genome position (GRCh38, 1-based): chr6:35,498,345, C>A on the plus strand (G>T on the coding strand, the complement: TULP1 is on the minus strand). VCF-style: chr6-35498345-C-A. GRCh37 (hg19) VCF-style: chr6-35466122-C-A.
Other names: c.1452G>T, p.Gly484= (NM_001289395.2).
Identifiers: ClinVar variation 1466748 (VCV001466748.6), dbSNP rs2150921532, ClinGen allele CA449942129.

ClinVar aggregate classification (germline): Uncertain significance (1 of 4 stars; one submission).

Submission:

Labcorp Genetics (formerly Invitae), Labcorp
Classification: Uncertain significance. Last evaluated: 2023-05-08. Review status: criteria provided, single submitter. Criteria: Invitae Variant Classification Sherloc (09022015). Collection method: clinical testing. Allele origin: germline.
Comment: In summary, the available evidence is currently insufficient to determine the role of this variant in disease. Therefore, it has been classified as a Variant of Uncertain Significance. Algorithms developed to predict the effect of sequence changes on RNA splicing suggest that this variant may create or strengthen a splice site. ClinVar contains an entry for this variant (Variation ID: 1466748). This variant has not been reported in the literature in individuals affected with TULP1-related conditions. This variant is not present in population databases (gnomAD no frequency). This sequence change affects codon 537 of the TULP1 mRNA. It is a 'silent' change, meaning that it does not change the encoded amino acid sequence of the TULP1 protein.